The following is an entry in ClinVar:

ClinVar aggregate classification (germline): Uncertain significance (1 of 4 stars; one submission).

Conditions:
Inborn genetic diseases. Identifiers: MedGen C0950123, MeSH D030342.

Submission:

Ambry Genetics
Classification: Uncertain significance for Inborn genetic diseases. Last evaluated: 2024-07-25. Review status: criteria provided, single submitter. Criteria: Ambry Variant Classification Scheme 2023. Collection method: clinical testing. Allele origin: germline.
Comment: The c.2558T>C (p.L853S) alteration is located in exon 6 (coding exon 1) of the AHDC1 gene. This alteration results from a T to C substitution at nucleotide position 2558, causing the leucine (L) at amino acid position 853 to be replaced by a serine (S). This variant was not reported in population-based cohorts in the Genome Aggregation Database (gnomAD). This amino acid position is well conserved in available vertebrate species. This alteration is predicted to be deleterious by in silico analysis. Based on insufficient or conflicting evidence, the clinical significance of this alteration remains unclear.

NM_001371928.1(AHDC1):c.2558T>C (p.Leu853Ser)

Gene: AHDC1 (AT-hook DNA binding motif containing 1; minus strand). Cytogenetic location: 1p36.11.
Variant type: single nucleotide variant.
Coding change: c.2558T>C on transcript NM_001371928.1 (MANE Select); coding-DNA position 2558, T replaced by C.
Protein change: p.Leu853Ser; replaces leucine 853 with serine.
Molecular consequence: missense variant.
Genome position (GRCh38, 1-based): chr1:27,549,558, A>G on the plus strand (T>C on the coding strand, the complement: AHDC1 is on the minus strand). VCF-style: chr1-27549558-A-G. GRCh37 (hg19) VCF-style: chr1-27876069-A-G.
Other names: c.2558T>C, p.Leu853Ser (NM_001029882.3); short protein forms L853S.
Identifiers: ClinVar variation 3277138 (VCV003277138.2).
Genomic context (GRCh38, chr1:27,549,558, plus strand): 5'-CCTGCATAGGTGCCCGATGCCTTCCGGGACTCTGGGCGAGAGGCTGAGAGGGCAAAGTCC[A>G]AGAGATCGGAGGAGTCATCCGAATCGAGCAGCGAGCGAAAGTAGCCGGTGAAGAGGTTTT-3'
Protein context (NP_001358857.1, residues 843-863): LLDSDDSSDL[Leu853Ser]DFALSASRPE